The following is an entry in ClinVar:

ClinVar aggregate classification (germline): Uncertain significance. Review status: criteria provided, multiple submitters, no conflicts (2 of 4 stars). 2 submissions from 2 submitters: Uncertain significance (2). Last evaluated 2025-11-11.

Conditions:
Primary ciliary dyskinesia. Also called: Ciliary dyskinesia. Identifiers: Orphanet 244, MedGen C0008780, MONDO:0016575, HP:0012265.

Allele frequency attached by ClinVar (database versions not stated): gnomAD 0.00001; ExAC 0.00002; TOPMed 0.00002; ESP Exome Variant Server 0.00008.
gnomAD v4.1: 14 of 1,612,870 alleles (0.00087%); highest among the groups gnomAD compares: Admixed American, 0.0033%; no homozygotes.

Submissions (2):

Ambry Genetics
Classification: Uncertain significance for Primary ciliary dyskinesia. Last evaluated: 2025-11-11. Review status: criteria provided, single submitter. Criteria: Ambry Variant Classification Scheme 2023. Collection method: clinical testing. Allele origin: germline.

Labcorp Genetics (formerly Invitae), Labcorp
Classification: Uncertain significance for Primary ciliary dyskinesia. Last evaluated: 2024-01-26. Review status: criteria provided, single submitter. Criteria: Invitae Variant Classification Sherloc (09022015). Collection method: clinical testing. Allele origin: germline.
Comment: This sequence change replaces asparagine, which is neutral and polar, with serine, which is neutral and polar, at codon 543 of the RSPH4A protein (p.Asn543Ser). This variant is present in population databases (rs147813674, gnomAD 0.002%). This variant has not been reported in the literature in individuals affected with RSPH4A-related conditions. ClinVar contains an entry for this variant (Variation ID: 1913707). Advanced modeling of protein sequence and biophysical properties (such as structural, functional, and spatial information, amino acid conservation, physicochemical variation, residue mobility, and thermodynamic stability) performed at Invitae indicates that this missense variant is not expected to disrupt RSPH4A protein function with a negative predictive value of 80%. In summary, the available evidence is currently insufficient to determine the role of this variant in disease. Therefore, it has been classified as a Variant of Uncertain Significance.

NM_001010892.3(RSPH4A):c.1628A>G (p.Asn543Ser)

Gene: RSPH4A (radial spoke head component 4A; plus strand). Cytogenetic location: 6q22.1.
Variant type: single nucleotide variant.
Coding change: c.1628A>G on transcript NM_001010892.3 (MANE Select); coding-DNA position 1628, A replaced by G.
Protein change: p.Asn543Ser; replaces asparagine 543 with serine.
Molecular consequence: missense variant.
Genome position (GRCh38, 1-based): chr6:116,628,335, A>G. VCF-style: chr6-116628335-A-G. GRCh37 (hg19) VCF-style: chr6-116949498-A-G.
Other names: c.1628A>G, p.Asn543Ser (NM_001161664.2); c.1628A>G (NM_001010892.2); short protein forms N543S.
Identifiers: ClinVar variation 1913707 (VCV001913707.4), dbSNP rs147813674, ClinGen allele CA3970985.